The following is an entry in ClinVar:

NM_004519.4(KCNQ3):c.2074C>G (p.Pro692Ala)

Gene: KCNQ3 (potassium voltage-gated channel subfamily Q member 3; minus strand). Cytogenetic location: 8q24.22.
Variant type: single nucleotide variant.
Coding change: c.2074C>G on transcript NM_004519.4 (MANE Select); coding-DNA position 2074, C replaced by G.
Protein change: p.Pro692Ala; replaces proline 692 with alanine.
Molecular consequence: missense variant.
Genome position (GRCh38, 1-based): chr8:132,129,807, G>C on the plus strand (C>G on the coding strand, the complement: KCNQ3 is on the minus strand). VCF-style: chr8-132129807-G-C. GRCh37 (hg19) VCF-style: chr8-133142054-G-C.
Other names: c.1714C>G, p.Pro572Ala (NM_001204824.2); short protein forms P692A, P572A.
Identifiers: ClinVar variation 429488 (VCV000429488.6), dbSNP rs1131691408, ClinGen allele CA372217000.

ClinVar aggregate classification (germline): Uncertain significance. Review status: criteria provided, multiple submitters, no conflicts (2 of 4 stars). 2 submissions from 2 submitters: Uncertain significance (2). Last evaluated 2018-07-02.

Conditions:
Seizures, benign familial neonatal, 2. Also called: CONVULSIONS, BENIGN FAMILIAL NEONATAL, 2; Benign Neonatal Epilepsy 2; KCNQ3-Related Self-Limited Familial Neonatal Epilepsy (SLFNE); KCNQ3-Related Benign Familial Neonatal Epilepsy; Seizures, benign neonatal, 2. Identifiers: Orphanet 1949, MedGen C1852581, MONDO:0007366, OMIM 121201.

gnomAD v4.1: 1 of 1,614,142 alleles (0.000062%); highest among the groups gnomAD compares: Non-Finnish European, 0.000085%; no homozygotes.

Submissions (2):

GeneDx
Classification: Uncertain significance. Last evaluated: 2018-07-02. Review status: criteria provided, single submitter. Criteria: GeneDx Variant Classification (06012015). Collection method: clinical testing. Allele origin: germline. Affected: yes.
Comment: A variant of uncertain significance has been identified in the KCNQ3 gene. The P692A variant has not been published as a pathogenic variant, nor has it been reported as a benign variant to our knowledge. The P692A variant is not observed in large population cohorts (Lek et al., 2016; 1000 Genomes Consortium et al., 2015; Exome Variant Server). The P692A variant is a semi-conservative amino acid substitution, which may impact secondary protein structure as these residues differ in some properties. However, this substitution occurs at a position that is not conserved, and in silico analysis predicts this variant likely does not alter the protein structure/function. Therefore, based on the currently available information, it is unclear whether this variant is a pathogenic variant or a rare benign variant.

Illumina Laboratory Services, Illumina
Classification: Uncertain significance for Seizures, benign familial neonatal, 2. Last evaluated: 2018-01-13. Review status: criteria provided, single submitter. Criteria: ICSL Variant Classification Criteria 13 December 2019. Collection method: clinical testing. Allele origin: germline.